The following is an entry in ClinVar:

ClinVar aggregate classification (germline): Benign (1 of 4 stars; one submission).

Allele frequency attached by ClinVar (database versions not stated): gnomAD exomes 0.00278; gnomAD 0.02923 and 0.03159; 1000 Genomes Project 0.03155; TOPMed 0.03256; 1000 Genomes Project 30x 0.03264.
gnomAD v4.1: 7,748 of 1,306,654 alleles (0.59%); highest among the groups gnomAD compares: African/African-American, 10%; 356 homozygotes.

Submission:

GeneDx
Classification: Benign. Last evaluated: 2018-06-16. Review status: criteria provided, single submitter. Criteria: GeneDx Variant Classification (06012015). Collection method: clinical testing. Allele origin: germline. Affected: yes.
Comment: This variant is considered likely benign or benign based on one or more of the following criteria: it is a conservative change, it occurs at a poorly conserved position in the protein, it is predicted to be benign by multiple in silico algorithms, and/or has population frequency not consistent with disease.

NM_020297.4(ABCC9):c.1164+85T>A

Gene: ABCC9 (ATP binding cassette subfamily C member 9; minus strand). Cytogenetic location: 12p12.1.
Variant type: single nucleotide variant.
Coding change: c.1164+85T>A on transcript NM_020297.4 (MANE Select); 85 bases into the intron after coding-DNA position 1164, T replaced by A.
Molecular consequence: intron variant.
Genome position (GRCh38, 1-based): chr12:21,910,741, A>T on the plus strand (T>A on the coding strand, the complement: ABCC9 is on the minus strand). VCF-style: chr12-21910741-A-T. GRCh37 (hg19) VCF-style: chr12-22063675-A-T.
Other names: c.300+85T>A (NM_001377274.1); c.1164+85T>A (NM_005691.4, NM_001377273.1).
Identifiers: ClinVar variation 673648 (VCV000673648.1), dbSNP rs77831506, ClinGen allele CA233609541.